The following is an entry in ClinVar:

NM_001035.3(RYR2):c.4683+259T>C

Gene: RYR2 (ryanodine receptor 2; plus strand). Cytogenetic location: 1q43.
Variant type: single nucleotide variant.
Coding change: c.4683+259T>C on transcript NM_001035.3 (MANE Select); 259 bases into the intron after coding-DNA position 4683, T replaced by C.
Molecular consequence: intron variant.
Genome position (GRCh38, 1-based): chr1:237,602,370, T>C. VCF-style: chr1-237602370-T-C. GRCh37 (hg19) VCF-style: chr1-237765670-T-C.
Identifiers: ClinVar variation 672817 (VCV000672817.1), dbSNP rs74444788, ClinGen allele CA39816266.

ClinVar aggregate classification (germline): Likely benign (1 of 4 stars; one submission).

Allele frequency attached by ClinVar (database versions not stated): gnomAD 0.00553 and 0.00562; TOPMed 0.00572; 1000 Genomes Project 30x 0.01015; 1000 Genomes Project 0.01118.
gnomAD v4.1: 846 of 152,244 alleles (0.56%); highest among the groups gnomAD compares: African/African-American, 1.7%; 10 homozygotes.

Submission:

GeneDx
Classification: Likely benign. Last evaluated: 2018-06-14. Review status: criteria provided, single submitter. Criteria: GeneDx Variant Classification (06012015). Collection method: clinical testing. Allele origin: germline. Affected: yes.
Comment: This variant is considered likely benign or benign based on one or more of the following criteria: it is a conservative change, it occurs at a poorly conserved position in the protein, it is predicted to be benign by multiple in silico algorithms, and/or has population frequency not consistent with disease.